The following is an entry in ClinVar:

ClinVar aggregate classification (germline): Uncertain significance (1 of 4 stars; one submission).

Conditions:
Dyskeratosis congenita, autosomal recessive 1. Identifiers: Orphanet 1775, MedGen C1857144, MONDO:0009136, OMIM 224230.

Submission:

Labcorp Genetics (formerly Invitae), Labcorp
Classification: Uncertain significance for Dyskeratosis congenita, autosomal recessive 1. Last evaluated: 2023-03-01. Review status: criteria provided, single submitter. Criteria: Invitae Variant Classification Sherloc (09022015). Collection method: clinical testing. Allele origin: germline.
Comment: This sequence change replaces glutamic acid, which is acidic and polar, with aspartic acid, which is acidic and polar, at codon 9 of the NOP10 protein (p.Glu9Asp). This variant is present in population databases (no rsID available, gnomAD 0.002%). This variant has not been reported in the literature in individuals affected with NOP10-related conditions. ClinVar contains an entry for this variant (Variation ID: 644541). Algorithms developed to predict the effect of missense changes on protein structure and function output the following: SIFT: "Not Available"; PolyPhen-2: "Benign"; Align-GVGD: "Not Available". The aspartic acid amino acid residue is found in multiple mammalian species, which suggests that this missense change does not adversely affect protein function. In summary, the available evidence is currently insufficient to determine the role of this variant in disease. Therefore, it has been classified as a Variant of Uncertain Significance.

NM_018648.4(NOP10):c.27G>T (p.Glu9Asp)

Gene: NOP10 (NOP10 ribonucleoprotein; minus strand). Cytogenetic location: 15q14.
Variant type: single nucleotide variant.
Coding change: c.27G>T on transcript NM_018648.4 (MANE Select); coding-DNA position 27, G replaced by T.
Protein change: p.Glu9Asp; replaces glutamic acid 9 with aspartic acid.
Molecular consequence: missense variant.
Genome position (GRCh38, 1-based): chr15:34,343,047, C>A on the plus strand (G>T on the coding strand, the complement: NOP10 is on the minus strand). VCF-style: chr15-34343047-C-A. GRCh37 (hg19) VCF-style: chr15-34635248-C-A.
Other names: short protein forms E9D.
Identifiers: ClinVar variation 644541 (VCV000644541.9), dbSNP rs373678744, ClinGen allele CA391622357.